The following is an entry in ClinVar:

ClinVar aggregate classification (germline): Uncertain significance (1 of 4 stars; one submission).

Submission:

Labcorp Genetics (formerly Invitae), Labcorp
Classification: Uncertain significance. Last evaluated: 2024-09-09. Review status: criteria provided, single submitter. Criteria: Invitae Variant Classification Sherloc (09022015). Collection method: clinical testing. Allele origin: germline.
Comment: This sequence change replaces histidine, which is basic and polar, with asparagine, which is neutral and polar, at codon 862 of the TTBK2 protein (p.His862Asn). This variant is not present in population databases (gnomAD no frequency). This variant has not been reported in the literature in individuals affected with TTBK2-related conditions. An algorithm developed to predict the effect of missense changes on protein structure and function (PolyPhen-2) suggests that this variant is likely to be tolerated. In summary, the available evidence is currently insufficient to determine the role of this variant in disease. Therefore, it has been classified as a Variant of Uncertain Significance.

NM_173500.4(TTBK2):c.2584C>A (p.His862Asn)

Gene: TTBK2 (tau tubulin kinase 2; minus strand). Cytogenetic location: 15q15.2.
Variant type: single nucleotide variant.
Coding change: c.2584C>A on transcript NM_173500.4 (MANE Select); coding-DNA position 2584, C replaced by A.
Protein change: p.His862Asn; replaces histidine 862 with asparagine.
Molecular consequence: missense variant.
Genome position (GRCh38, 1-based): chr15:42,752,662, G>T on the plus strand (C>A on the coding strand, the complement: TTBK2 is on the minus strand). VCF-style: chr15-42752662-G-T. GRCh37 (hg19) VCF-style: chr15-43044860-G-T.
Other names: short protein forms H862N.
Identifiers: ClinVar variation 3696836 (VCV003696836.2).